The following is an entry in ClinVar:

ClinVar aggregate classification (germline): Pathogenic/Likely pathogenic. Review status: criteria provided, multiple submitters, no conflicts (2 of 4 stars). 2 submissions from 2 submitters: Pathogenic (1); Likely pathogenic (1). Last evaluated 2022-03-20.

Conditions:
Retinitis pigmentosa (RP). Identifiers: Orphanet 791, MedGen C0035334, MeSH D012174, MONDO:0019200, OMIM 268000. Inheritance: Autosomal dominant, autosomal recessive and X linked inheritance.

Submissions (2):

Labcorp Genetics (formerly Invitae), Labcorp
Classification: Likely pathogenic. Last evaluated: 2022-03-20. Review status: criteria provided, single submitter. Criteria: Invitae Variant Classification Sherloc (09022015). Collection method: clinical testing. Allele origin: germline.
Comment: This sequence change affects a donor splice site in intron 16 of the PDE6B gene. It is expected to disrupt RNA splicing. Variants that disrupt the donor or acceptor splice site typically lead to a loss of protein function (PMID: 16199547), and loss-of-function variants in PDE6B are known to be pathogenic (PMID: 8394174, 8595886, 22334370). This variant is not present in population databases (gnomAD no frequency). Disruption of this splice site has been observed in individual(s) with PDE6B-related conditions (Invitae). ClinVar contains an entry for this variant (Variation ID: 802044). Algorithms developed to predict the effect of sequence changes on RNA splicing suggest that this variant may disrupt the consensus splice site. In summary, the currently available evidence indicates that the variant is pathogenic, but additional data are needed to prove that conclusively. Therefore, this variant has been classified as Likely Pathogenic.

Mendelics
Classification: Pathogenic for Retinitis pigmentosa. Last evaluated: 2019-05-28. Review status: criteria provided, single submitter. Criteria: Mendelics Assertion Criteria 2017. Collection method: clinical testing. Allele origin: unknown.

Literature cited by the submitters: PubMed 16199547 (cited by Labcorp Genetics (formerly Invitae), Labcorp); PubMed 8394174 (cited by Labcorp Genetics (formerly Invitae), Labcorp); PubMed 8595886 (cited by Labcorp Genetics (formerly Invitae), Labcorp); PubMed 22334370 (cited by Labcorp Genetics (formerly Invitae), Labcorp).

NM_000283.4(PDE6B):c.2021+2T>G

Gene: PDE6B (phosphodiesterase 6B; plus strand). Cytogenetic location: 4p16.3.
Variant type: single nucleotide variant.
Coding change: c.2021+2T>G on transcript NM_000283.4 (MANE Select); the canonical splice donor site of the intron after coding-DNA position 2021, T replaced by G.
Molecular consequence: splice donor variant.
Genome position (GRCh38, 1-based): chr4:663,872, T>G. VCF-style: chr4-663872-T-G. GRCh37 (hg19) VCF-style: chr4-657661-T-G.
Other names: c.2021+2T>G (NM_001145291.2); c.1184+2T>G (NM_001379246.1, NM_001379247.1, NM_001145292.2 and 1 more transcripts); c.866+2T>G (NM_001350155.3).
Identifiers: ClinVar variation 802044 (VCV000802044.6), dbSNP rs1577301589, ClinGen allele CA355918672.